The following is an entry in ClinVar:

ClinVar aggregate classification (germline): Uncertain significance (1 of 4 stars; one submission).

Conditions:
Fibrous dysplasia of jaw (CRBM). Also called: Cherubism. Identifiers: Orphanet 184, MedGen C0008029, MONDO:0007315, OMIM 118400.

Submission:

Labcorp Genetics (formerly Invitae), Labcorp
Classification: Uncertain significance for Fibrous dysplasia of jaw. Last evaluated: 2025-01-07. Review status: criteria provided, single submitter. Criteria: Invitae Variant Classification Sherloc (09022015). Collection method: clinical testing. Allele origin: germline.
Comment: This sequence change replaces glutamic acid, which is acidic and polar, with lysine, which is basic and polar, at codon 265 of the SH3BP2 protein (p.Glu265Lys). This variant is not present in population databases (gnomAD no frequency). This variant has not been reported in the literature in individuals affected with SH3BP2-related conditions. Invitae Evidence Modeling of protein sequence and biophysical properties (such as structural, functional, and spatial information, amino acid conservation, physicochemical variation, residue mobility, and thermodynamic stability) indicates that this missense variant is not expected to disrupt SH3BP2 protein function with a negative predictive value of 95%. In summary, the available evidence is currently insufficient to determine the role of this variant in disease. Therefore, it has been classified as a Variant of Uncertain Significance.

NM_001122681.2(SH3BP2):c.793G>A (p.Glu265Lys)

Gene: SH3BP2 (SH3 domain binding protein 2; plus strand). Cytogenetic location: 4p16.3.
Variant type: single nucleotide variant.
Coding change: c.793G>A on transcript NM_001122681.2 (MANE Select); coding-DNA position 793, G replaced by A.
Protein change: p.Glu265Lys; replaces glutamic acid 265 with lysine.
Molecular consequence: missense variant.
Genome position (GRCh38, 1-based): chr4:2,829,699, G>A. VCF-style: chr4-2829699-G-A. GRCh37 (hg19) VCF-style: chr4-2831426-G-A.
Other names: c.877G>A, p.Glu293Lys (NM_001145855.2); c.964G>A, p.Glu322Lys (NM_001145856.2); c.793G>A, p.Glu265Lys (NM_003023.4); short protein forms E293K, E265K, E322K.
Identifiers: ClinVar variation 3664776 (VCV003664776.2).